The following is an entry in ClinVar:

NM_015662.3(IFT172):c.1478T>C (p.Leu493Pro)

Gene: IFT172 (intraflagellar transport 172; minus strand). Cytogenetic location: 2p23.3.
Variant type: single nucleotide variant.
Coding change: c.1478T>C on transcript NM_015662.3 (MANE Select); coding-DNA position 1478, T replaced by C.
Protein change: p.Leu493Pro; replaces leucine 493 with proline.
Molecular consequence: missense variant.
Genome position (GRCh38, 1-based): chr2:27,472,296, A>G on the plus strand (T>C on the coding strand, the complement: IFT172 is on the minus strand). VCF-style: chr2-27472296-A-G. GRCh37 (hg19) VCF-style: chr2-27695163-A-G.
Other names: short protein forms L493P.
Identifiers: ClinVar variation 1310019 (VCV001310019.2), dbSNP rs1282056614, ClinGen allele CA346391527.

ClinVar aggregate classification (germline): Uncertain significance (1 of 4 stars; one submission).

Submission:

GeneDx
Classification: Uncertain significance. Last evaluated: 2019-08-28. Review status: criteria provided, single submitter. Criteria: GeneDx Variant Classification Process June 2021. Collection method: clinical testing. Allele origin: germline. Affected: yes.
Comment: Not observed in large population cohorts (Lek et al., 2016); In silico analysis, which includes protein predictors and evolutionary conservation, supports a deleterious effect; Has not been previously published as pathogenic or benign to our knowledge